The following is an entry in ClinVar:

NM_016333.4(SRRM2):c.5653C>T (p.Arg1885Ter)

Gene: SRRM2 (serine/arginine repetitive matrix 2; plus strand). Cytogenetic location: 16p13.3.
Variant type: single nucleotide variant.
Coding change: c.5653C>T on transcript NM_016333.4 (MANE Select); coding-DNA position 5653, C replaced by T.
Protein change: p.Arg1885Ter; replaces arginine 1885 with a stop codon.
Molecular consequence: nonsense.
Genome position (GRCh38, 1-based): chr16:2,766,181, C>T. VCF-style: chr16-2766181-C-T. GRCh37 (hg19) VCF-style: chr16-2816182-C-T.
Other names: short protein forms R1885*.
Identifiers: ClinVar variation 3359126 (VCV003359126.2).

ClinVar aggregate classification (germline): Pathogenic (1 of 4 stars; one submission).

Conditions:
Intellectual developmental disorder, autosomal dominant 72 (MRD72). Identifiers: Orphanet 652487, MedGen C5830612, MONDO:0957397, OMIM 620439.

gnomAD v4.1: 1 of 1,614,038 alleles (0.000062%); highest among the groups gnomAD compares: Admixed American, 0.0017%; no homozygotes.

Submission:

Institute of Human Genetics, University of Leipzig Medical Center
Classification: Pathogenic for Intellectual developmental disorder, autosomal dominant 72. Last evaluated: 2021-06-23. Review status: criteria provided, single submitter. Criteria: ACMG Guidelines, 2015. Collection method: clinical testing. Allele origin: de novo. Inheritance: Autosomal dominant inheritance. Affected: yes.
Comment: Criteria applied: PVS1, PS2_MOD, PM2_SUP